The following is an entry in ClinVar:

NM_003060.4(SLC22A5):c.283C>G (p.Leu95Val)

Gene: SLC22A5 (solute carrier family 22 member 5; plus strand). Cytogenetic location: 5q31.1.
Variant type: single nucleotide variant.
Coding change: c.283C>G on transcript NM_003060.4 (MANE Select); coding-DNA position 283, C replaced by G.
Protein change: p.Leu95Val; replaces leucine 95 with valine.
Molecular consequence: missense variant.
Genome position (GRCh38, 1-based): chr5:132,370,255, C>G. VCF-style: chr5-132370255-C-G. GRCh37 (hg19) VCF-style: chr5-131705947-C-G.
Other names: c.283C>G, p.Leu95Val (NM_001308122.2).
Identifiers: ClinVar variation 25369 (VCV000025369.10), dbSNP rs386134191, ClinGen allele CA342627.

ClinVar aggregate classification (germline): Uncertain significance (1 of 4 stars; one submission).

Conditions:
Renal carnitine transport defect (CDSP). Also called: Systemic primary carnitine deficiency; Carnitine transporter deficiency; Primary carnitine deficiency; Carnitine Deficiency, Systemic; Systemic primary carnitine deficiency disease; CARNITINE DEFICIENCY, SYSTEMIC, DUE TO DEFECT IN RENAL REABSORPTION OF CARNITINE. Identifiers: Orphanet 158, MedGen C0342788, MONDO:0008919, OMIM 212140.

Submission:

Labcorp Genetics (formerly Invitae), Labcorp
Classification: Uncertain significance for Renal carnitine transport defect. Last evaluated: 2019-10-14. Review status: criteria provided, single submitter. Criteria: Invitae Variant Classification Sherloc (09022015). Collection method: clinical testing. Allele origin: germline.
Comment: In summary, the available evidence is currently insufficient to determine the role of this variant in disease. Therefore, it has been classified as a Variant of Uncertain Significance. This variant has been reported to have conflicting or insufficient data to determine the effect on SLC22A5 protein function (PMID: 28841266). This variant has been observed in the homozygous state in an individual affected with primary carnitine deficiency; however, this individual was also found to have a second homozygous variant in the SLC22A5 gene (PMID: 28841266). ClinVar contains an entry for this variant (Variation ID: 25369). This variant is not present in population databases (ExAC no frequency). This sequence change replaces leucine with valine at codon 95 of the SLC22A5 protein (p.Leu95Val). The leucine residue is highly conserved and there is a small physicochemical difference between leucine and valine.

Literature cited by the submitters: PubMed 28841266.